The following is an entry in ClinVar:

ClinVar aggregate classification (germline): Pathogenic (1 of 4 stars; one submission).

Conditions:
Duchenne muscular dystrophy (DMD). Also called: MUSCULAR DYSTROPHY, PSEUDOHYPERTROPHIC PROGRESSIVE, DUCHENNE TYPE; Duchenne Muscular Dystrophy (DMD). Identifiers: Orphanet 98896, MedGen C0013264, MONDO:0010679, OMIM 310200.

Submission:

Labcorp Genetics (formerly Invitae), Labcorp
Classification: Pathogenic for Duchenne muscular dystrophy. Last evaluated: 2023-04-30. Review status: criteria provided, single submitter. Criteria: Invitae Variant Classification Sherloc (09022015). Collection method: clinical testing. Allele origin: germline.
Comment: This sequence change creates a premature translational stop signal (p.Leu2011Tyrfs*2) in the DMD gene. It is expected to result in an absent or disrupted protein product. Loss-of-function variants in DMD are known to be pathogenic (PMID: 16770791, 25007885). This variant is not present in population databases (gnomAD no frequency). This variant has not been reported in the literature in individuals affected with DMD-related conditions. For these reasons, this variant has been classified as Pathogenic.

Literature cited by the submitters: PubMed 16770791; PubMed 25007885.

NM_004006.3(DMD):c.6031del (p.Leu2011fs)

Gene: DMD (dystrophin; minus strand). Cytogenetic location: Xp21.1.
Variant type: Deletion.
Coding change: c.6031del on transcript NM_004006.3 (MANE Select); coding-DNA position 6031, one base deleted (C; older notation c.6031delC).
Protein change: p.Leu2011fs; shifts the reading frame from leucine 2011.
Molecular consequence: frameshift variant.
Genome position (GRCh38, 1-based): chrX:32,310,168, G deleted on the plus strand (C on the coding strand, the reverse complement: DMD is on the minus strand); the first of 3 consecutive G bases (chrX:32,310,168-32,310,170); deleting any one gives the same sequence. VCF-style (leftmost placement, unchanged base first): chrX-32310167-AG-A. GRCh37 (hg19) VCF-style: chrX-32328284-AG-A.
Other names: c.6007del, p.Leu2003fs (NM_000109.4); c.6019del, p.Leu2007fs (NM_004009.3); c.5662del, p.Leu1888fs (NM_004010.3); c.2008del, p.Leu670fs (NM_004011.4); c.1999del, p.Leu667fs (NM_004012.4); short protein forms L1888fs, L2003fs, L670fs, L2007fs, L2011fs, L667fs.
Identifiers: ClinVar variation 2860964 (VCV002860964.3), dbSNP rs2520268337, ClinGen allele CA2739268174.